The following is an entry in ClinVar:

ClinVar aggregate classification (germline): Likely benign. Review status: criteria provided, multiple submitters, no conflicts (2 of 4 stars). 4 submissions from 4 submitters: Likely benign (2). 2 of the submissions do not count toward it. Last evaluated 2026-01-12.

Conditions:
Agenesis of the corpus callosum with peripheral neuropathy (ACCPN). Also called: Hereditary Motor and Sensory Neuropathy with Agenesis of the Corpus Callosum; CHARLEVOIX DISEASE; POLYNEUROPATHY, SENSORIMOTOR, WITH OR WITHOUT AGENESIS OF THE CORPUS CALLOSUM; HMSN/ACC. Identifiers: Orphanet 1496, MedGen C0795950, MONDO:0000902, OMIM 218000. Disease mechanism: loss of function.
SLC12A6-related disorder. Also called: SLC12A6-related condition.

Allele frequency attached by ClinVar (database versions not stated): gnomAD 0.00001; gnomAD exomes 0.00002 and 0.00009; TOPMed 0.00005; ExAC 0.00010.
gnomAD v4.1: 25 of 1,600,088 alleles (0.0016%); highest among the groups gnomAD compares: Admixed American, 0.04%; no homozygotes.

Submissions (4):

Labcorp Genetics (formerly Invitae), Labcorp
Classification: Likely benign. Last evaluated: 2026-01-12. Review status: criteria provided, single submitter. Criteria: Invitae Variant Classification Sherloc (09022015). Collection method: clinical testing. Allele origin: germline.

CeGaT Center for Human Genetics Tuebingen
Classification: Likely benign. Last evaluated: 2023-09-01. Review status: criteria provided, single submitter. Criteria: CeGaT Center For Human Genetics Tuebingen Variant Classification Criteria Version 2. Collection method: clinical testing. Allele origin: germline. Affected: yes. Observed: 1 variant allele.
Comment: SLC12A6: BP4, BP7

Natera, Inc.
Classification: Uncertain significance for Andermann syndrome. Last evaluated: 2020-03-17. Review status: no assertion criteria provided. Collection method: clinical testing. Allele origin: germline. Not counted in ClinVar's aggregate classification.

PreventionGenetics, part of Exact Sciences
Classification: Likely benign for SLC12A6-related condition. Last evaluated: 2019-06-13. Review status: no assertion criteria provided. Collection method: clinical testing. Allele origin: germline. Not counted in ClinVar's aggregate classification.
Comment: This variant is classified as likely benign based on ACMG/AMP sequence variant interpretation guidelines (Richards et al. 2015 PMID: 25741868, with internal and published modifications).

NM_001365088.1(SLC12A6):c.546C>T (p.Thr182=)

Gene: SLC12A6 (solute carrier family 12 member 6; minus strand). Cytogenetic location: 15q14.
Variant type: single nucleotide variant.
Coding change: c.546C>T on transcript NM_001365088.1 (MANE Select); coding-DNA position 546, C replaced by T.
Protein change: p.Thr182=; no amino-acid change (threonine 182 retained).
Molecular consequence: synonymous variant.
Genome position (GRCh38, 1-based): chr15:34,257,786, G>A on the plus strand (C>T on the coding strand, the complement: SLC12A6 is on the minus strand). VCF-style: chr15-34257786-G-A. GRCh37 (hg19) VCF-style: chr15-34549987-G-A.
Other names: c.369C>T, p.Thr123= (NM_001042494.2, NM_001042495.2); c.519C>T, p.Thr173= (NM_001042496.2); c.501C>T, p.Thr167= (NM_001042497.2); c.393C>T, p.Thr131= (NM_005135.2); c.546C>T, p.Thr182= (NM_133647.2).
Identifiers: ClinVar variation 703301 (VCV000703301.40), dbSNP rs775527538, ClinGen allele CA7464534.